The following is an entry in ClinVar:

NM_024529.5(CDC73):c.1316+1del

Gene: CDC73 (cell division cycle 73; plus strand). Cytogenetic location: 1q31.2.
Variant type: Deletion.
Coding change: c.1316+1del on transcript NM_024529.5 (MANE Select); the canonical splice donor site of the intron after coding-DNA position 1316, one base deleted (G; older notation c.1316+1delG).
Molecular consequence: splice donor variant.
Genome position (GRCh38, 1-based): chr1:193,233,155, G deleted; the last of 2 consecutive G bases (chr1:193,233,154-193,233,155); deleting either gives the same sequence. VCF-style (leftmost placement, unchanged base first): chr1-193233153-TG-T. GRCh37 (hg19) VCF-style: chr1-193202283-TG-T.
Identifiers: ClinVar variation 1473061 (VCV001473061.8), dbSNP rs2102058495, ClinGen allele CA2573131389.

ClinVar aggregate classification (germline): Likely pathogenic (1 of 4 stars; one submission).

Conditions:
Parathyroid carcinoma (PRTC). Also called: CDC73-Related Parathyroid Carcinoma; Parathyroid gland carcinoma. Identifiers: Orphanet 143, MedGen C0687150, MONDO:0012004, OMIM 608266, HP:0006780.

Submission:

Labcorp Genetics (formerly Invitae), Labcorp
Classification: Likely pathogenic for Parathyroid carcinoma. Last evaluated: 2021-05-07. Review status: criteria provided, single submitter. Criteria: Invitae Variant Classification Sherloc (09022015). Collection method: clinical testing. Allele origin: germline.
Comment: Algorithms developed to predict the effect of sequence changes on RNA splicing suggest that this variant may disrupt the consensus splice site, but this prediction has not been confirmed by published transcriptional studies. In summary, the currently available evidence indicates that the variant is pathogenic, but additional data are needed to prove that conclusively. Therefore, this variant has been classified as Likely Pathogenic. This variant has not been reported in the literature in individuals with CDC73-related conditions. This variant is not present in population databases (ExAC no frequency). This sequence change affects a donor splice site in intron 14 of the CDC73 gene. It is expected to disrupt RNA splicing. Variants that disrupt the donor or acceptor splice site typically lead to a loss of protein function (PMID: 16199547), and loss-of-function variants in CDC73 are known to be pathogenic (PMID: 12434154).

Literature cited by the submitters: PubMed 16199547; PubMed 12434154.